The following is an entry in ClinVar:

ClinVar aggregate classification (germline): Likely benign. Review status: criteria provided, multiple submitters, no conflicts (2 of 4 stars). 3 submissions from 3 submitters: Likely benign (3). Last evaluated 2025-04-23.

Conditions:
Duchenne muscular dystrophy (DMD). Also called: MUSCULAR DYSTROPHY, PSEUDOHYPERTROPHIC PROGRESSIVE, DUCHENNE TYPE; Duchenne Muscular Dystrophy (DMD). Identifiers: Orphanet 98896, MedGen C0013264, MONDO:0010679, OMIM 310200.

Allele frequency attached by ClinVar (database versions not stated): gnomAD exomes below 0.00001; gnomAD 0.00001.
gnomAD v4.1: 4 of 1,203,876 alleles (0.00033%); highest among the groups gnomAD compares: Middle Eastern, 0.023%; no homozygotes.

Submissions (3):

Women's Health and Genetics/Laboratory Corporation of America, LabCorp
Classification: Likely benign. Last evaluated: 2025-04-23. Review status: criteria provided, single submitter. Criteria: LabCorp Variant Classification Summary - May 2015. Collection method: clinical testing. Allele origin: germline.

Labcorp Genetics (formerly Invitae), Labcorp
Classification: Likely benign for Duchenne muscular dystrophy. Last evaluated: 2024-12-04. Review status: criteria provided, single submitter. Criteria: Invitae Variant Classification Sherloc (09022015). Collection method: clinical testing. Allele origin: germline.

GeneDx
Classification: Likely benign. Last evaluated: 2015-11-05. Review status: criteria provided, single submitter. Criteria: GeneDx Variant Classification (06012015). Collection method: clinical testing. Allele origin: germline. Affected: yes.
Comment: This variant is considered likely benign or benign based on one or more of the following criteria: it is a conservative change, it occurs at a poorly conserved position in the protein, it is predicted to be benign by multiple in silico algorithms, and/or has population frequency not consistent with disease.

NM_004006.3(DMD):c.5026-8C>T

Gene: DMD (dystrophin; minus strand). Cytogenetic location: Xp21.1.
Variant type: single nucleotide variant.
Coding change: c.5026-8C>T on transcript NM_004006.3 (MANE Select); 8 bases into the intron before coding-DNA position 5026, C replaced by T.
Molecular consequence: intron variant.
Genome position (GRCh38, 1-based): chrX:32,364,718, G>A on the plus strand (C>T on the coding strand, the complement: DMD is on the minus strand). VCF-style: chrX-32364718-G-A. GRCh37 (hg19) VCF-style: chrX-32382835-G-A.
Other names: c.5002-8C>T (NM_000109.4); c.1003-8C>T (NM_004011.4); c.994-8C>T (NM_004012.4); c.5014-8C>T (NM_004009.3); c.4657-8C>T (NM_004010.3).
Identifiers: ClinVar variation 381150 (VCV000381150.15), dbSNP rs1057520973, ClinGen allele CA16609177.